The following is an entry in ClinVar:

ClinVar aggregate classification (germline): Uncertain significance (1 of 4 stars; one submission).

Conditions:
Progressive myoclonic epilepsy type 5. Identifiers: Orphanet 402082, MedGen C5190799.

Allele frequency attached by ClinVar (database versions not stated): TOPMed 0.00001.
gnomAD v4.1: 4 of 1,613,066 alleles (0.00025%); highest among the groups gnomAD compares: Admixed American, 0.0067%; no homozygotes.

Submission:

Labcorp Genetics (formerly Invitae), Labcorp
Classification: Uncertain significance for Progressive myoclonic epilepsy type 5. Last evaluated: 2026-01-08. Review status: criteria provided, single submitter. Criteria: Invitae Variant Classification Sherloc (09022015). Collection method: clinical testing. Allele origin: germline.
Comment: This sequence change replaces histidine, which is basic and polar, with glutamine, which is neutral and polar, at codon 78 of the PRICKLE2 protein (p.His78Gln). This variant is present in population databases (no rsID available, gnomAD 0.01%). This variant has not been reported in the literature in individuals affected with PRICKLE2-related conditions. ClinVar contains an entry for this variant (Variation ID: 1419700). Invitae Evidence Modeling of protein sequence and biophysical properties (such as structural, functional, and spatial information, amino acid conservation, physicochemical variation, residue mobility, and thermodynamic stability) indicates that this missense variant is not expected to disrupt PRICKLE2 protein function with a negative predictive value of 80%. In summary, the available evidence is currently insufficient to determine the role of this variant in disease. Therefore, it has been classified as a Variant of Uncertain Significance.

NM_198859.4(PRICKLE2):c.234C>G (p.His78Gln)

Gene: PRICKLE2 (prickle planar cell polarity protein 2; minus strand). Cytogenetic location: 3p14.1.
Variant type: single nucleotide variant.
Coding change: c.234C>G on transcript NM_198859.4 (MANE Select); coding-DNA position 234, C replaced by G.
Protein change: p.His78Gln; replaces histidine 78 with glutamine.
Molecular consequence: missense variant.
Genome position (GRCh38, 1-based): chr3:64,163,040, G>C on the plus strand (C>G on the coding strand, the complement: PRICKLE2 is on the minus strand). VCF-style: chr3-64163040-G-C. GRCh37 (hg19) VCF-style: chr3-64148716-G-C.
Other names: c.234C>G, p.His78Gln (NM_001370528.1); short protein forms H78Q.
Identifiers: ClinVar variation 1419700 (VCV001419700.6), dbSNP rs755337354, ClinGen allele CA353437063.